The following is an entry in ClinVar:

ClinVar aggregate classification (germline): Pathogenic/Likely pathogenic. Review status: criteria provided, multiple submitters, no conflicts (2 of 4 stars). 2 submissions from 2 submitters: Pathogenic (1); Likely pathogenic (1). Last evaluated 2025-09-22.

Conditions:
Autosomal recessive polycystic kidney disease (ARPKD). Also called: AR polycystic kidney disease. Identifiers: Orphanet 731, Orphanet 8378, MedGen C0085548, MeSH D017044, MONDO:0009889.

Allele frequency attached by ClinVar (database versions not stated): gnomAD 0.00001.

Submissions (2):

Natera, Inc.
Classification: Likely pathogenic for Autosomal recessive polycystic kidney disease. Last evaluated: 2025-09-22. Review status: criteria provided, single submitter. Criteria: Natera Variant Classification Schema (03/2026). Collection method: clinical testing. Allele origin: germline.
Comment: The c.5909-46_5943delAAGCCTTATCCTCCCAGGGACTGACAATTTTCCCTTTGTCCATTAGGGGGCAAGCTGATTTTCATGGCCCCAGGACCCATC variant in PKHD1 is a deletion affecting a canonical splice acceptor site. This variant is expected to result in nonsense mediated decay, truncation, or a dysfunctional protein product. This variant is rare in the general population with a frequency below the threshold expected for the associated phenotype(s). Given the available evidence, this variant is classified as Likely Pathogenic.

Labcorp Genetics (formerly Invitae), Labcorp
Classification: Pathogenic for Autosomal recessive polycystic kidney disease. Last evaluated: 2023-03-03. Review status: criteria provided, single submitter. Criteria: Invitae Variant Classification Sherloc (09022015). Collection method: clinical testing. Allele origin: germline.
Comment: This variant has not been reported in the literature in individuals affected with PKHD1-related conditions. This variant is not present in population databases (gnomAD no frequency). This variant results in the deletion of part of exon 37 (c.5909-46_5943del) of the PKHD1 gene. It is expected to disrupt RNA splicing. Variants that disrupt the donor or acceptor splice site typically lead to a loss of protein function (PMID: 16199547), and loss-of-function variants in PKHD1 are known to be pathogenic (PMID: 19940839). For these reasons, this variant has been classified as Pathogenic. This variant disrupts the p.Gly1979 amino acid residue in PKHD1. Other variant(s) that disrupt this residue have been determined to be pathogenic (PMID: 22882926, 31813136). This suggests that this residue is clinically significant, and that variants that disrupt this residue are likely to be disease-causing.

Literature cited by the submitters: PubMed 16199547 (cited by Labcorp Genetics (formerly Invitae), Labcorp); PubMed 19940839 (cited by Labcorp Genetics (formerly Invitae), Labcorp); PubMed 22882926 (cited by Labcorp Genetics (formerly Invitae), Labcorp); PubMed 31813136 (cited by Labcorp Genetics (formerly Invitae), Labcorp).

NM_138694.4(PKHD1):c.5909-46_5943del

Gene: PKHD1 (PKHD1 ciliary IPT domain containing fibrocystin/polyductin; minus strand). Cytogenetic location: 6p12.2.
Variant type: Deletion.
Coding change: c.5909-46_5943del on transcript NM_138694.4 (MANE Select); 46 bases into the intron before coding-DNA position 5909 through coding-DNA position 5943, 81 bases deleted.
Molecular consequence: splice acceptor variant.
Genome position (GRCh38, 1-based): chr6:51,934,288-51,934,368, 81 bases deleted. GRCh37 (hg19): chr6:51,799,086-51,799,166.
Other names: c.5909-46_5943delAAGCCTTATCCTCCCAGGGACTGACAATTTTCCCTTTGTCCATTAGGGGGCAAGCTGATTTTCATGGCCCCAGGACCCATC (NM_138694.3); c.5909-46_5943del (NM_170724.3).
Identifiers: ClinVar variation 1452420 (VCV001452420.11), dbSNP rs2127769312, ClinGen allele CA1088987237.